The following is an entry in ClinVar:

NM_177438.3(DICER1):c.5364+4A>G

Gene: DICER1 (dicer 1, ribonuclease III; minus strand). Cytogenetic location: 14q32.13.
Variant type: single nucleotide variant.
Coding change: c.5364+4A>G on transcript NM_177438.3 (MANE Select); 4 bases into the intron after coding-DNA position 5364, A replaced by G.
Molecular consequence: intron variant.
Genome position (GRCh38, 1-based): chr14:95,093,884, T>C on the plus strand (A>G on the coding strand, the complement: DICER1 is on the minus strand). VCF-style: chr14-95093884-T-C. GRCh37 (hg19) VCF-style: chr14-95560221-T-C.
Other names: c.5364+4A>G (NM_001291628.2, NM_030621.4, NM_001271282.3 and 1 more transcripts).
Identifiers: ClinVar variation 846098 (VCV000846098.8), dbSNP rs1485762944, ClinGen allele CA615844937.

ClinVar aggregate classification (germline): Uncertain significance (1 of 4 stars; one submission).

Conditions:
DICER1-related tumor predisposition. Also called: DICER1 syndrome; DICER1-related pleuropulmonary blastoma cancer predisposition syndrome. Identifiers: Orphanet 284343, MedGen C3839822, MONDO:0100216.

Allele frequency attached by ClinVar (database versions not stated): gnomAD 0.00001.
gnomAD v4.1: 1 of 1,614,062 alleles (0.000062%); highest among the groups gnomAD compares: African/African-American, 0.0013%; no homozygotes.

Submission:

Labcorp Genetics (formerly Invitae), Labcorp
Classification: Uncertain significance for DICER1-related tumor predisposition. Last evaluated: 2023-11-21. Review status: criteria provided, single submitter. Criteria: Invitae Variant Classification Sherloc (09022015). Collection method: clinical testing. Allele origin: germline.
Comment: This sequence change falls in intron 24 of the DICER1 gene. It does not directly change the encoded amino acid sequence of the DICER1 protein. It affects a nucleotide within the consensus splice site. This variant is present in population databases (no rsID available, gnomAD 0.01%). This variant has not been reported in the literature in individuals affected with DICER1-related conditions. ClinVar contains an entry for this variant (Variation ID: 846098). Variants that disrupt the consensus splice site are a relatively common cause of aberrant splicing (PMID: 17576681, 9536098). Algorithms developed to predict the effect of sequence changes on RNA splicing suggest that this variant is not likely to affect RNA splicing. In summary, the available evidence is currently insufficient to determine the role of this variant in disease. Therefore, it has been classified as a Variant of Uncertain Significance.

Literature cited by the submitters: PubMed 17576681; PubMed 9536098.